The following is an entry in ClinVar:

NM_001365536.1(SCN9A):c.3167A>G (p.Lys1056Arg)

Genes: SCN1A-AS1 (SCN1A and SCN9A antisense RNA 1; plus strand), SCN9A (sodium voltage-gated channel alpha subunit 9; minus strand). Cytogenetic location: 2q24.3.
Variant type: single nucleotide variant.
Coding change: c.3167A>G on transcript NM_001365536.1 (MANE Select); coding-DNA position 3167, A replaced by G.
Protein change: p.Lys1056Arg; replaces lysine 1056 with arginine.
Molecular consequence: missense variant.
Genome position (GRCh38, 1-based): chr2:166,272,583, T>C on the plus strand (A>G on the coding strand, the complement: SCN9A is on the minus strand). VCF-style: chr2-166272583-T-C. GRCh37 (hg19) VCF-style: chr2-167129093-T-C.
Other names: c.3134A>G, p.Lys1045Arg (NM_002977.4); short protein forms K1045R, K1056R.
Identifiers: ClinVar variation 415031 (VCV000415031.21), dbSNP rs200560768, ClinGen allele CA1944130.

ClinVar aggregate classification (germline): Conflicting classifications of pathogenicity. Review status: criteria provided, conflicting classifications (1 of 4 stars). 8 submissions from 6 submitters: Uncertain significance (3); Benign (2); Likely benign (3). Last evaluated 2026-02-19.

Conditions:
SCN9A-related disorder. Also called: SCN9A-related disorders; SCN9A-related condition.
Generalized epilepsy with febrile seizures plus, type 7 (GEFSP7). Also called: GEFS+, TYPE 7. Identifiers: Orphanet 36387, MedGen C2751778, MONDO:0013470, OMIM 613863.
Neuropathy, hereditary sensory and autonomic, type 2A (HSAN2A). Also called: ACROOSTEOLYSIS, GIACCAI TYPE; ACROOSTEOLYSIS, NEUROGENIC; HSAN IIA; WNK1-Related HSAN2 (HSAN2A); MORVAN DISEASE; NEUROPATHY, CONGENITAL SENSORY. Identifiers: Orphanet 970, MedGen C2752089, MONDO:0024309, OMIM 201300.
Inborn genetic diseases. Identifiers: MedGen C0950123, MeSH D030342.
Primary erythromelalgia. Also called: SCN9A Erythromelalgia (SCN9A-EM); primary erythermalgia. Identifiers: Orphanet 306577, Orphanet 90026, MedGen C0014805, MONDO:0007571, OMIM 133020.
Channelopathy-associated congenital insensitivity to pain, autosomal recessive. Also called: ASYMBOLIA FOR PAIN; CONGENITAL ANALGESIA, AUTOSOMAL RECESSIVE; Insensitivity to pain, channelopathy-associated. Identifiers: Orphanet 88642, Orphanet 970, MedGen C1855739, MONDO:0009459, OMIM 243000.
Paroxysmal extreme pain disorder (PEXPD). Also called: PAIN, SUBMANDIBULAR, OCULAR, AND RECTAL, WITH FLUSHING; RECTAL PAIN, FAMILIAL; SCN9A Paroxysmal Extreme Pain Disorder (SCN9A-PEPD). Identifiers: Orphanet 46348, MedGen C1833661, MONDO:0008179, OMIM 167400.

Allele frequency attached by ClinVar (database versions not stated): gnomAD exomes 0.00002 and 0.00010; ExAC 0.00013; ESP Exome Variant Server 0.00033; TOPMed 0.00033; gnomAD 0.00045 and 0.00048; 1000 Genomes Project 0.00100; 1000 Genomes Project 30x 0.00109.
gnomAD v4.1: 100 of 1,613,494 alleles (0.0062%); highest among the groups gnomAD compares: African/African-American, 0.13%; no homozygotes.

Submissions (8):

PreventionGenetics, part of Exact Sciences
Classification: Likely benign for SCN9A-related condition. Last evaluated: 2026-02-19. Review status: criteria provided, single submitter. Criteria: ACMG Guidelines, 2015. Collection method: clinical testing. Allele origin: germline.
Comment: This variant is classified as likely benign based on ACMG/AMP sequence variant interpretation guidelines (Richards et al. 2015 PMID: 25741868, with internal and published modifications).

Labcorp Genetics (formerly Invitae), Labcorp
Classification: Likely benign for Neuropathy, hereditary sensory and autonomic, type 2A; Generalized epilepsy with febrile seizures plus, type 7. Last evaluated: 2026-01-24. Review status: criteria provided, single submitter. Criteria: Invitae Variant Classification Sherloc (09022015). Collection method: clinical testing. Allele origin: germline.

Women's Health and Genetics/Laboratory Corporation of America, LabCorp
Classification: Likely benign. Last evaluated: 2025-04-01. Review status: criteria provided, single submitter. Criteria: LabCorp Variant Classification Summary - May 2015. Collection method: clinical testing. Allele origin: germline.
Comment: Variant summary: SCN9A c.3134A>G (p.Lys1045Arg) results in a conservative amino acid change in the encoded protein sequence. Three of three in-silico tools predict a benign effect of the variant on protein function. The variant allele was found at a frequency of 9.6e-05 in 248752 control chromosomes, predominantly at a frequency of 0.0015 within the African or African-American subpopulation in the gnomAD database. The observed variant frequency within African or African-American control individuals in the gnomAD database is approximately 1.34 fold of the estimated maximal expected allele frequency for a pathogenic variant in SCN9A causing Channelopathy-Associated Congenital Insensitivity To Pain, Autosomal Recessive phenotype (0.0011). To our knowledge, no occurrence of c.3134A>G in individuals affected with SCN9A-related conditions and no experimental evidence demonstrating its impact on protein function have been reported. ClinVar contains an entry for this variant (Variation ID: 415031). Based on the evidence outlined above, the variant was classified as likely benign.

GeneDx
Classification: Uncertain significance. Last evaluated: 2023-03-28. Review status: criteria provided, single submitter. Criteria: GeneDx Variant Classification Process June 2021. Collection method: clinical testing. Allele origin: germline. Affected: yes.
Comment: In silico analysis supports that this missense variant does not alter protein structure/function; Has not been previously published as pathogenic or benign to our knowledge

Ambry Genetics
Classification: Uncertain significance for Inborn genetic diseases. Last evaluated: 2021-05-13. Review status: criteria provided, single submitter. Criteria: Ambry Variant Classification Scheme 2023. Collection method: clinical testing. Allele origin: germline.
Comment: The p.K1045R variant (also known as c.3134A>G), located in coding exon 16 of the SCN9A gene, results from an A to G substitution at nucleotide position 3134. The lysine at codon 1045 is replaced by arginine, an amino acid with highly similar properties. This amino acid position is not well conserved in available vertebrate species, and arginine is the reference amino acid in other vertebrate species. In addition, this alteration is predicted to be tolerated by in silico analysis. Based on the supporting evidence, this variant is unlikely to be causative of primary erythermalgia/small fiber neuropathy or paroxysmal extreme pain disorder (AD); however, its contribution to the development of congenital insensitivity to pain or hereditary sensory autonomic neuropathy type II (AR) is uncertain.

Illumina Laboratory Services, Illumina
Classification: Benign for Paroxysmal extreme pain disorder. Last evaluated: 2018-01-12. Review status: criteria provided, single submitter. Criteria: ICSL Variant Classification Criteria 13 December 2019. Collection method: clinical testing. Allele origin: germline.
Comment: This variant was observed in the ICSL laboratory as part of a predisposition screen in an ostensibly healthy population. It had not been previously curated by ICSL or reported in the Human Gene Mutation Database (HGMD: prior to June 1st, 2018), and was therefore a candidate for classification through an automated scoring system. Utilizing variant allele frequency, disease prevalence and penetrance estimates, and inheritance mode, an automated score was calculated to assess if this variant is too frequent to cause the disease. Based on the score and internal cut-off values, a variant classified as benign is not then subjected to further curation. The score for this variant resulted in a classification of benign for this disease.

Illumina Laboratory Services, Illumina
Classification: Benign for Primary erythromelalgia. Last evaluated: 2018-01-12. Review status: criteria provided, single submitter. Criteria: ICSL Variant Classification Criteria 13 December 2019. Collection method: clinical testing. Allele origin: germline.
Comment: the same text as in the submission from Illumina Laboratory Services, Illumina above.

Illumina Laboratory Services, Illumina
Classification: Uncertain significance for Channelopathy-associated congenital insensitivity to pain, autosomal recessive. Last evaluated: 2018-01-12. Review status: criteria provided, single submitter. Criteria: ICSL Variant Classification Criteria 13 December 2019. Collection method: clinical testing. Allele origin: germline.